The following is an entry in ClinVar:

NM_052867.4(NALCN):c.1959dup (p.Thr654fs)

Gene: NALCN (sodium leak channel, non-selective; minus strand). Cytogenetic location: 13q33.1.
Variant type: Duplication.
Coding change: c.1959dup on transcript NM_052867.4 (MANE Select); coding-DNA position 1959, one base duplicated (T; older notation c.1959dupT).
Protein change: p.Thr654fs; shifts the reading frame from threonine 654.
Molecular consequence: frameshift variant.
Genome position (GRCh38, 1-based): chr13:101,144,777, A duplicated on the plus strand (T on the coding strand, the reverse complement: NALCN is on the minus strand); the first of 4 consecutive A bases (chr13:101,144,777-101,144,780); duplicating any one gives the same sequence. VCF-style (leftmost placement, unchanged base first): chr13-101144776-T-TA. GRCh37 (hg19) VCF-style: chr13-101797127-T-TA.
Other names: c.1959dup, p.Thr654fs (NM_001350748.2, NM_001350749.2); c.1872dup, p.Thr625fs (NM_001350750.2, NM_001350751.2); c.1959dupT (NM_052867.4); short protein forms T625fs, T654fs.
Identifiers: ClinVar variation 1690783 (VCV001690783.2), dbSNP rs2139795638, ClinGen allele CA2573149485.

ClinVar aggregate classification (germline): Likely pathogenic (1 of 4 stars; one submission).

Submission:

Laboratorio de Genetica e Diagnostico Molecular, Hospital Israelita Albert Einstein
Classification: Likely pathogenic. Last evaluated: 2020-01-23. Review status: criteria provided, single submitter. Criteria: ACMG Guidelines, 2015. Collection method: clinical testing. Allele origin: germline. Affected: yes.
Comment: ACMG classification criteria: PVS1, PM2